The following is an entry in ClinVar:

ClinVar aggregate classification (germline): Uncertain significance (1 of 4 stars; one submission).

gnomAD v4.1: 1 of 1,613,916 alleles (0.000062%); highest among the groups gnomAD compares: Non-Finnish European, 0.000085%; no homozygotes.

Submission:

GeneDx
Classification: Uncertain significance. Last evaluated: 2026-03-04. Review status: criteria provided, single submitter. Criteria: GeneDx Variant Classification Process June 2021. Collection method: clinical testing. Allele origin: germline.
Comment: Not observed at significant frequency in large population cohorts (gnomAD); In silico analysis suggests that this missense variant does not alter protein structure/function; Has not been previously published as pathogenic or benign to our knowledge

NM_170606.3(KMT2C):c.6371G>A (p.Arg2124Lys)

Gene: KMT2C (lysine methyltransferase 2C; minus strand). Cytogenetic location: 7q36.1.
Variant type: single nucleotide variant.
Coding change: c.6371G>A on transcript NM_170606.3 (MANE Select); coding-DNA position 6371, G replaced by A.
Protein change: p.Arg2124Lys; replaces arginine 2124 with lysine.
Molecular consequence: missense variant.
Genome position (GRCh38, 1-based): chr7:152,181,489, C>T on the plus strand (G>A on the coding strand, the complement: KMT2C is on the minus strand). VCF-style: chr7-152181489-C-T. GRCh37 (hg19) VCF-style: chr7-151878574-C-T.
Other names: short protein forms R2124K.
Identifiers: ClinVar variation 5008161 (VCV005008161.1).